The following is an entry in ClinVar:

NM_001194998.2(CEP152):c.35T>C (p.Val12Ala)

Gene: CEP152 (centrosomal protein 152; minus strand). Cytogenetic location: 15q21.1.
Variant type: single nucleotide variant.
Coding change: c.35T>C on transcript NM_001194998.2 (MANE Select); coding-DNA position 35, T replaced by C.
Protein change: p.Val12Ala; replaces valine 12 with alanine.
Molecular consequence: missense variant.
Genome position (GRCh38, 1-based): chr15:48,805,615, A>G on the plus strand (T>C on the coding strand, the complement: CEP152 is on the minus strand). VCF-style: chr15-48805615-A-G. GRCh37 (hg19) VCF-style: chr15-49097812-A-G.
Other names: c.35T>C, p.Val12Ala (NM_014985.4); short protein forms V12A.
Identifiers: ClinVar variation 316432 (VCV000316432.12), dbSNP rs191061766, ClinGen allele CA7549261.

ClinVar aggregate classification (germline): Conflicting classifications of pathogenicity. Review status: criteria provided, conflicting classifications (1 of 4 stars). 6 submissions from 5 submitters: Uncertain significance (5); Likely benign (1). Last evaluated 2024-08-12.

Conditions:
Microcephaly 9, primary, autosomal recessive. Identifiers: Orphanet 2512, MedGen C3553886, MONDO:0013923, OMIM 614852.
Seckel syndrome 5 (SCKL5). Identifiers: Orphanet 808, MedGen C3151187, MONDO:0013443, OMIM 613823.

Allele frequency attached by ClinVar (database versions not stated): gnomAD exomes 0.00028 and 0.00037; 1000 Genomes Project 30x 0.00031; ExAC 0.00033; 1000 Genomes Project 0.00040; ESP Exome Variant Server 0.00017; gnomAD 0.00023 and 0.00024; TOPMed 0.00026.
gnomAD v4.1: 578 of 1,609,352 alleles (0.036%); highest among the groups gnomAD compares: Non-Finnish European, 0.043%; no homozygotes.

Submissions (6):

Blueprint Genetics
Classification: Likely benign. Last evaluated: 2024-08-12. Review status: criteria provided, single submitter. Criteria: ACMG Guidelines, 2015. Collection method: clinical testing. Allele origin: germline.

Labcorp Genetics (formerly Invitae), Labcorp
Classification: Uncertain significance. Last evaluated: 2022-09-19. Review status: criteria provided, single submitter. Criteria: Invitae Variant Classification Sherloc (09022015). Collection method: clinical testing. Allele origin: germline.
Comment: This sequence change replaces valine, which is neutral and non-polar, with alanine, which is neutral and non-polar, at codon 12 of the CEP152 protein (p.Val12Ala). This variant is present in population databases (rs191061766, gnomAD 0.04%). This variant has not been reported in the literature in individuals affected with CEP152-related conditions. ClinVar contains an entry for this variant (Variation ID: 316432). Algorithms developed to predict the effect of missense changes on protein structure and function output the following: SIFT: "Tolerated"; PolyPhen-2: "Benign"; Align-GVGD: "Class C0". The alanine amino acid residue is found in multiple mammalian species, which suggests that this missense change does not adversely affect protein function. In summary, the available evidence is currently insufficient to determine the role of this variant in disease. Therefore, it has been classified as a Variant of Uncertain Significance.

GeneDx
Classification: Uncertain significance. Last evaluated: 2020-12-22. Review status: criteria provided, single submitter. Criteria: GeneDx Variant Classification Process June 2021. Collection method: clinical testing. Allele origin: germline. Affected: yes.
Comment: In silico analysis supports that this missense variant does not alter protein structure/function; Has not been previously published as pathogenic or benign to our knowledge

Illumina Laboratory Services, Illumina
Classification: Uncertain significance for Seckel syndrome 5. Last evaluated: 2018-01-13. Review status: criteria provided, single submitter. Criteria: ICSL Variant Classification Criteria 13 December 2019. Collection method: clinical testing. Allele origin: germline.

Illumina Laboratory Services, Illumina
Classification: Uncertain significance for Microcephaly 9, primary, autosomal recessive. Last evaluated: 2018-01-13. Review status: criteria provided, single submitter. Criteria: ICSL Variant Classification Criteria 13 December 2019. Collection method: clinical testing. Allele origin: germline.

Breakthrough Genomics
Classification: Uncertain significance. Review status: criteria provided, single submitter. Criteria: ACMG Guidelines, 2015. Collection method: not provided. Allele origin: germline. Inheritance: Autosomal recessive inheritance. Affected: yes.